The following is an entry in ClinVar:

NM_032119.4(ADGRV1):c.10736_10737del (p.Ala3579fs)

Gene: ADGRV1 (adhesion G protein-coupled receptor V1; plus strand). Cytogenetic location: 5q14.3.
Variant type: Deletion.
Coding change: c.10736_10737del on transcript NM_032119.4 (MANE Select); coding-DNA positions 10736 to 10737, 2 bases deleted (CC; older notation c.10736_10737delCC).
Protein change: p.Ala3579fs; shifts the reading frame from alanine 3579.
Molecular consequence: frameshift variant. On other transcripts: non-coding transcript variant (1).
Genome position (GRCh38, 1-based): chr5:90,745,232-90,745,233, CC deleted. VCF-style (leftmost placement, unchanged base first): chr5-90745231-GCC-G. GRCh37 (hg19) VCF-style: chr5-90041048-GCC-G.
Other names: c.10736_10737del (NM_032119.3); short protein forms A3579fs.
Identifiers: ClinVar variation 523945 (VCV000523945.13), dbSNP rs1307312865, ClinGen allele CA658796544.

ClinVar aggregate classification (germline): Pathogenic/Likely pathogenic. Review status: criteria provided, multiple submitters, no conflicts (2 of 4 stars). 4 submissions from 4 submitters: Pathogenic (3); Likely pathogenic (1). Last evaluated 2025-12-16.

Conditions:
Retinal disorder. Also called: Retinopathies; Retinal Diseases; Retinal disorders; Retinopathy. Identifiers: MedGen C0035309, MONDO:0005283, HP:0000488.
ADGRV1-related disorder. Also called: ADGRV1-related disorders; ADGRV1-related condition.

Allele frequency attached by ClinVar (database versions not stated): TOPMed below 0.00001; gnomAD 0.00001; gnomAD exomes 0.00003.

Submissions (4):

Genetics Laboratory, Great Ormond Street Hospital NHS Foundation Trust, North Thames Genomic Laboratory Hub
Classification: Pathogenic for Retinal disorders. Last evaluated: 2025-12-16. Review status: criteria provided, single submitter. Criteria: ACGS Best Practice Guidelines for Variant Classification in Rare Disease 2024 v1.2. Collection method: clinical testing. Allele origin: germline. Affected: yes.
Comment: PM2_moderate, PVS1_very-strong, PM3_moderate

Labcorp Genetics (formerly Invitae), Labcorp
Classification: Pathogenic. Last evaluated: 2025-03-17. Review status: criteria provided, single submitter. Criteria: Invitae Variant Classification Sherloc (09022015). Collection method: clinical testing. Allele origin: germline.
Comment: This sequence change creates a premature translational stop signal (p.Ala3579Valfs*7) in the ADGRV1 gene. It is expected to result in an absent or disrupted protein product. Loss-of-function variants in ADGRV1 are known to be pathogenic (PMID: 19357117, 22135276, 22147658, 26226137, 30718709, 31047384, 32467589). This variant is not present in population databases (gnomAD no frequency). This premature translational stop signal has been observed in individuals with Usher syndrome (PMID: 22135276). This variant is also known as c.10736_37delCC, p.Ala3579ValfsX6 (in GPR98). ClinVar contains an entry for this variant (Variation ID: 523945). Algorithms developed to predict the effect of sequence changes on RNA splicing suggest that this variant may disrupt the consensus splice site. For these reasons, this variant has been classified as Pathogenic.

GeneDx
Classification: Pathogenic. Last evaluated: 2018-04-17. Review status: criteria provided, single submitter. Criteria: GeneDx Variant Classification (06012015). Collection method: clinical testing. Allele origin: germline. Affected: yes.
Comment: The c.10736_10737delCC variant in the ADGRV1 gene has been reported previously in association with autosomal recessive Usher syndrome in an affected individual who harbored an additional loss-of-function variant in the ADGRV1 gene (Le Quesne et al., 2012; referenced as the GPR98 gene). The c.10736_10737delCC variant causes a frameshift starting with codon Alanine 3579, changes this amino acid to a Valine residue, and creates a premature Stop codon at position 7 of the new reading frame, denoted p.Ala3579ValfsX7. This variant is predicted to cause loss of normal protein function either through protein truncation or nonsense-mediated mRNA decay. The c.10736_10737delCC variant is not observed in large population cohorts (Lek et al., 2016). We interpret c.10736_10737delCC as a pathogenic variant.

Blueprint Genetics
Classification: Likely pathogenic for ADGRV1-related disorders. Last evaluated: 2017-07-28. Review status: criteria provided, single submitter. Criteria: ACMG Guidelines, 2015. Collection method: clinical testing. Allele origin: germline. Affected: yes. Observed: 1 variant allele.

Literature cited by the submitters: PubMed 19357117 (cited by Labcorp Genetics (formerly Invitae), Labcorp); PubMed 22135276 (cited by Labcorp Genetics (formerly Invitae), Labcorp); PubMed 22147658 (cited by Labcorp Genetics (formerly Invitae), Labcorp); PubMed 26226137 (cited by Labcorp Genetics (formerly Invitae), Labcorp); PubMed 30718709 (cited by Labcorp Genetics (formerly Invitae), Labcorp); PubMed 31047384 (cited by Labcorp Genetics (formerly Invitae), Labcorp); PubMed 32467589 (cited by Labcorp Genetics (formerly Invitae), Labcorp).